The following is an entry in ClinVar:

NM_178857.6(RP1L1):c.3457A>C (p.Ile1153Leu)

Gene: RP1L1 (RP1 like 1). Cytogenetic location: 8p23.1.
Variant type: single nucleotide variant.
Coding change: c.3457A>C on transcript NM_178857.6 (MANE Select); coding-DNA position 3457, A replaced by C.
Protein change: p.Ile1153Leu; replaces isoleucine 1153 with leucine.
Molecular consequence: missense variant.
Genome position (GRCh38, 1-based): chr8:10,610,641, T>G on the plus strand (A>C on the coding strand, the complement: RP1L1 is on the minus strand). VCF-style: chr8-10610641-T-G. GRCh37 (hg19) VCF-style: chr8-10468151-T-G.
Other names: short protein forms I1153L.
Identifiers: ClinVar variation 3033848 (VCV003033848.4), dbSNP rs148203843, ClinGen allele CA4624484.

ClinVar aggregate classification (germline): Conflicting classifications of pathogenicity. Review status: criteria provided, conflicting classifications (1 of 4 stars). 3 submissions from 3 submitters: Uncertain significance (1); Likely benign (1). 1 of the submissions does not count toward it. Last evaluated 2023-12-12.

Conditions:
RP1L1-related disorder. Also called: RP1L1-related condition.

Allele frequency attached by ClinVar (database versions not stated): gnomAD 0.00076; ESP Exome Variant Server 0.00087; 1000 Genomes Project 30x 0.00094; 1000 Genomes Project 0.00100.
gnomAD v4.1: 234 of 1,612,442 alleles (0.015%); highest among the groups gnomAD compares: African/African-American, 0.27%; no homozygotes.

Submissions (3):

GeneDx
Classification: Uncertain significance. Last evaluated: 2023-12-12. Review status: criteria provided, single submitter. Criteria: GeneDx Variant Classification Process June 2021. Collection method: clinical testing. Allele origin: germline. Affected: yes.
Comment: In silico analysis supports that this missense variant does not alter protein structure/function; Has not been previously published as pathogenic or benign to our knowledge

Blueprint Genetics
Classification: Likely benign. Last evaluated: 2023-07-15. Review status: criteria provided, single submitter. Criteria: ACMG Guidelines, 2015. Collection method: clinical testing. Allele origin: germline.

PreventionGenetics, part of Exact Sciences
Classification: Likely benign for RP1L1-related condition. Last evaluated: 2019-09-18. Review status: no assertion criteria provided. Collection method: clinical testing. Allele origin: germline. Not counted in ClinVar's aggregate classification.
Comment: This variant is classified as likely benign based on ACMG/AMP sequence variant interpretation guidelines (Richards et al. 2015 PMID: 25741868, with internal and published modifications).